The following is an entry in ClinVar:

ClinVar aggregate classification (germline): Uncertain significance. Review status: criteria provided, multiple submitters, no conflicts (2 of 4 stars). 2 submissions from 2 submitters: Uncertain significance (2). Last evaluated 2025-01-23.

Allele frequency attached by ClinVar (database versions not stated): gnomAD exomes below 0.00001; gnomAD 0.00001; TOPMed 0.00002.
gnomAD v4.1: 3 of 1,613,974 alleles (0.00019%); highest among the groups gnomAD compares: Admixed American, 0.0033%; no homozygotes.

Submissions (2):

Ambry Genetics
Classification: Uncertain significance. Last evaluated: 2025-01-23. Review status: criteria provided, single submitter. Criteria: Ambry Variant Classification Scheme 2023. Collection method: clinical testing. Allele origin: germline.

Labcorp Genetics (formerly Invitae), Labcorp
Classification: Uncertain significance. Last evaluated: 2024-11-05. Review status: criteria provided, single submitter. Criteria: Invitae Variant Classification Sherloc (09022015). Collection method: clinical testing. Allele origin: germline.
Comment: This sequence change replaces serine, which is neutral and polar, with cysteine, which is neutral and slightly polar, at codon 304 of the SLC7A14 protein (p.Ser304Cys). This variant is not present in population databases (gnomAD no frequency). This variant has not been reported in the literature in individuals affected with SLC7A14-related conditions. ClinVar contains an entry for this variant (Variation ID: 1003478). An algorithm developed to predict the effect of missense changes on protein structure and function (PolyPhen-2) suggests that this variant is likely to be disruptive. In summary, the available evidence is currently insufficient to determine the role of this variant in disease. Therefore, it has been classified as a Variant of Uncertain Significance.

NM_020949.3(SLC7A14):c.910A>T (p.Ser304Cys)

Genes: SLC7A14 (solute carrier family 7 member 14; minus strand), SLC7A14-AS1 (SLC7A14 antisense RNA 1; plus strand). Cytogenetic location: 3q26.2.
Variant type: single nucleotide variant.
Coding change: c.910A>T on transcript NM_020949.3 (MANE Select); coding-DNA position 910, A replaced by T.
Protein change: p.Ser304Cys; replaces serine 304 with cysteine.
Molecular consequence: missense variant.
Genome position (GRCh38, 1-based): chr3:170,483,519, T>A on the plus strand (A>T on the coding strand, the complement: SLC7A14 is on the minus strand). VCF-style: chr3-170483519-T-A. GRCh37 (hg19) VCF-style: chr3-170201308-T-A.
Other names: c.910A>T (NM_020949.2); short protein forms S304C.
Identifiers: ClinVar variation 1003478 (VCV001003478.10), dbSNP rs1052066335, ClinGen allele CA87712721.